The following is an entry in ClinVar:

NM_001148.6(ANK2):c.7320C>T (p.Ser2440=)

Genes: ANK2 (ankyrin 2; plus strand), LOC126807137 (CDK7 strongly-dependent group 2 enhancer GRCh37_chr4:114276560-114277759; plus strand). Cytogenetic location: 4q26.
Variant type: single nucleotide variant.
Coding change: c.7320C>T on transcript NM_001148.6 (MANE Select); coding-DNA position 7320, C replaced by T.
Protein change: p.Ser2440=; no amino-acid change (serine 2440 retained).
Molecular consequence: synonymous variant. On other transcripts: intron variant (68).
Genome position (GRCh38, 1-based): chr4:113,355,938, C>T. VCF-style: chr4-113355938-C-T. GRCh37 (hg19) VCF-style: chr4-114277094-C-T.
Other names: c.7086C>T, p.Ser2362= (NM_001386142.1); c.3720C>T, p.Ser1240= (NM_001386166.1); c.7461C>T, p.Ser2487= (NM_001386174.1); c.7437C>T, p.Ser2479= (NM_001386175.1); c.4412-4885C>T (NM_001386186.2, NM_001386148.2); c.4214-4885C>T (NM_001354269.3); c.4292-4885C>T (NM_001386187.2); c.4253-4885C>T (NM_001386147.1); and 35 more.
Identifiers: ClinVar variation 1089694 (VCV001089694.14), dbSNP rs190590036, ClinGen allele CA3051573.

ClinVar aggregate classification (germline): Likely benign. Review status: criteria provided, multiple submitters, no conflicts (2 of 4 stars). 5 submissions from 5 submitters: Likely benign (3). 2 of the submissions do not count toward it. Last evaluated 2026-08-01.

Conditions:
Long QT syndrome (LQTS). Identifiers: MedGen C0023976, MeSH D008133, MONDO:0002442. Disease mechanism: loss of function. Inheritance: Various modes of inheritance.
Cardiovascular phenotype. Identifiers: MedGen CN230736.

Allele frequency attached by ClinVar (database versions not stated): gnomAD 0.00007 and 0.00005; ExAC 0.00010; gnomAD exomes 0.00011 and 0.00002; 1000 Genomes Project 30x 0.00078; 1000 Genomes Project 0.00080; TOPMed 0.00005.
gnomAD v4.1: 39 of 1,614,088 alleles (0.0024%); highest among the groups gnomAD compares: East Asian, 0.082%; no homozygotes.

Submissions (5):

CeGaT Center for Human Genetics Tuebingen
Classification: Likely benign. Last evaluated: 2026-08-01. Review status: criteria provided, single submitter. Criteria: CeGaT Center For Human Genetics Tuebingen Variant Classification Criteria Version 2. Collection method: clinical testing. Allele origin: germline. Affected: yes. Observed: 1 variant allele.
Comment: ANK2: BP4, BP7

Labcorp Genetics (formerly Invitae), Labcorp
Classification: Likely benign for Long QT syndrome. Last evaluated: 2025-10-09. Review status: criteria provided, single submitter. Criteria: Invitae Variant Classification Sherloc (09022015). Collection method: clinical testing. Allele origin: germline.

Ambry Genetics
Classification: Likely benign for Cardiovascular phenotype. Last evaluated: 2022-08-20. Review status: criteria provided, single submitter. Criteria: Ambry Variant Classification Scheme 2023. Collection method: clinical testing. Allele origin: germline.

Clinical Genetics, Academic Medical Center
Classification: Benign. Review status: no assertion criteria provided. Collection method: clinical testing. Allele origin: germline. Affected: yes. Study: VKGL Data-share Consensus. Not counted in ClinVar's aggregate classification.

Joint Genome Diagnostic Labs from Nijmegen and Maastricht, Radboudumc and MUMC+
Classification: Likely benign. Review status: no assertion criteria provided. Collection method: clinical testing. Allele origin: germline. Affected: yes. Study: VKGL Data-share Consensus. Not counted in ClinVar's aggregate classification.